The following is an entry in ClinVar:

NM_024642.5(GALNT12):c.414A>T (p.Thr138=)

Gene: GALNT12 (polypeptide N-acetylgalactosaminyltransferase 12; plus strand). Cytogenetic location: 9q22.33.
Variant type: single nucleotide variant.
Coding change: c.414A>T on transcript NM_024642.5 (MANE Select); coding-DNA position 414, A replaced by T.
Protein change: p.Thr138=; no amino-acid change (threonine 138 retained).
Molecular consequence: synonymous variant.
Genome position (GRCh38, 1-based): chr9:98,823,298, A>T. VCF-style: chr9-98823298-A-T. GRCh37 (hg19) VCF-style: chr9-101585580-A-T.
Other names: c.414A>T (NM_024642.4).
Identifiers: ClinVar variation 4875692 (VCV004875692.2).

ClinVar aggregate classification (germline): Benign/Likely benign. Review status: criteria provided, multiple submitters, no conflicts (2 of 4 stars). 2 submissions from 2 submitters: Benign (1); Likely benign (1). Last evaluated 2026-09-13.

Conditions:
Colorectal cancer, susceptibility to, 1. Also called: COLORECTAL ADENOMA AND CANCER, SUSCEPTIBILITY TO; COLORECTAL CANCER, SUSCEPTIBILITY TO, ON CHROMOSOME 9. Identifiers: MedGen C1837315, MONDO:0012132, OMIM 608812.

gnomAD v4.1: 1 of 1,614,104 alleles (0.000062%); highest among the groups gnomAD compares: Non-Finnish European, 0.000085%; no homozygotes.

Submissions (2):

Ambry Genetics
Classification: Likely benign. Last evaluated: 2026-09-13. Review status: criteria provided, single submitter. Criteria: Ambry Variant Classification Scheme 2023. Collection method: clinical testing. Allele origin: germline.

Myriad Genetics, Inc.
Classification: Benign for Colorectal cancer, susceptibility to, 1. Last evaluated: 2026-04-23. Review status: criteria provided, single submitter. Criteria: Myriad Autosomal Dominant, Autosomal Recessive and X-Linked Classification Criteria (2023). Collection method: clinical testing. Allele origin: unknown.
Comment: This variant is considered benign. This variant is a silent/synonymous amino acid change and it is not expected to impact splicing.